The following is an entry in ClinVar:

ClinVar aggregate classification (germline): Uncertain significance (1 of 4 stars; one submission).

Submission:

Labcorp Genetics (formerly Invitae), Labcorp
Classification: Uncertain significance. Last evaluated: 2022-09-16. Review status: criteria provided, single submitter. Criteria: Invitae Variant Classification Sherloc (09022015). Collection method: clinical testing. Allele origin: germline.
Comment: This variant has not been reported in the literature in individuals affected with ZNF469-related conditions. This sequence change replaces glutamine, which is neutral and polar, with leucine, which is neutral and non-polar, at codon 54 of the ZNF469 protein (p.Gln54Leu). This variant is not present in population databases (gnomAD no frequency). Algorithms developed to predict the effect of missense changes on protein structure and function (SIFT, PolyPhen-2, Align-GVGD) all suggest that this variant is likely to be tolerated. In summary, the available evidence is currently insufficient to determine the role of this variant in disease. Therefore, it has been classified as a Variant of Uncertain Significance.

NM_001367624.2(ZNF469):c.161A>T (p.Gln54Leu)

Gene: ZNF469 (zinc finger protein 469; plus strand). Cytogenetic location: 16q24.2.
Variant type: single nucleotide variant.
Coding change: c.161A>T on transcript NM_001367624.2 (MANE Select); coding-DNA position 161, A replaced by T.
Protein change: p.Gln54Leu; replaces glutamine 54 with leucine.
Molecular consequence: missense variant.
Genome position (GRCh38, 1-based): chr16:88,427,631, A>T. VCF-style: chr16-88427631-A-T. GRCh37 (hg19) VCF-style: chr16-88494039-A-T.
Other names: short protein forms Q54L.
Identifiers: ClinVar variation 2007592 (VCV002007592.4), dbSNP rs2142296868, ClinGen allele CA397058406.